The following is an entry in ClinVar:

ClinVar aggregate classification (germline): Uncertain significance (1 of 4 stars; one submission).

Submission:

Labcorp Genetics (formerly Invitae), Labcorp
Classification: Uncertain significance. Last evaluated: 2021-12-08. Review status: criteria provided, single submitter. Criteria: Invitae Variant Classification Sherloc (09022015). Collection method: clinical testing. Allele origin: germline.
Comment: In summary, the available evidence is currently insufficient to determine the role of this variant in disease. Therefore, it has been classified as a Variant of Uncertain Significance. Algorithms developed to predict the effect of missense changes on protein structure and function are either unavailable or do not agree on the potential impact of this missense change (SIFT: "Tolerated"; PolyPhen-2: "Probably Damaging"; Align-GVGD: "Class C0"). This variant has not been reported in the literature in individuals affected with SH2B1-related conditions. This variant is not present in population databases (gnomAD no frequency). This sequence change replaces leucine, which is neutral and non-polar, with valine, which is neutral and non-polar, at codon 106 of the SH2B1 protein (p.Leu106Val).

NM_001387430.1(SH2B1):c.316C>G (p.Leu106Val)

Gene: SH2B1 (SH2B adaptor protein 1; plus strand). Cytogenetic location: 16p11.2.
Variant type: single nucleotide variant.
Coding change: c.316C>G on transcript NM_001387430.1 (MANE Select); coding-DNA position 316, C replaced by G.
Protein change: p.Leu106Val; replaces leucine 106 with valine.
Molecular consequence: missense variant. On other transcripts: intron variant (1).
Genome position (GRCh38, 1-based): chr16:28,866,410, C>G. VCF-style: chr16-28866410-C-G. GRCh37 (hg19) VCF-style: chr16-28877731-C-G.
Other names: c.316C>G, p.Leu106Val (NM_001145795.2, NM_001145796.2, NM_001145797.2 and 4 more transcripts); c.-26-964C>G (NM_001308294.2); short protein forms L106V.
Identifiers: ClinVar variation 1396616 (VCV001396616.6), dbSNP rs2152175854, ClinGen allele CA395422508.